The following is an entry in ClinVar:

ClinVar aggregate classification (germline): Uncertain significance. Review status: criteria provided, multiple submitters, no conflicts (2 of 4 stars). 4 submissions from 4 submitters: Uncertain significance (4). Last evaluated 2025-11-10.

Conditions:
Pheochromocytoma/paraganglioma syndrome 5. Also called: Paragangliomas 5; SDHA-Related Hereditary Paraganglioma-Pheochromocytoma Syndrome. Identifiers: Orphanet 29072, MedGen C3279992, MONDO:0013602, OMIM 614165.
Mitochondrial complex II deficiency, nuclear type 1. Also called: SUCCINATE CoQ REDUCTASE DEFICIENCY. Identifiers: Orphanet 3208, MedGen C5700310, MONDO:0100294, OMIM 252011.
Dilated cardiomyopathy 1GG (CMD1GG). Identifiers: Orphanet 154, MedGen C3150898, MONDO:0013339, OMIM 613642.

Allele frequency attached by ClinVar (database versions not stated): gnomAD 0.00001; gnomAD exomes 0.00001; TOPMed 0.00001.
gnomAD v4.1: 20 of 1,550,126 alleles (0.0013%); highest among the groups gnomAD compares: East Asian, 0.0072%; no homozygotes.

Submissions (4):

Labcorp Genetics (formerly Invitae), Labcorp
Classification: Uncertain significance for Pheochromocytoma/paraganglioma syndrome 5; Mitochondrial complex II deficiency, nuclear type 1. Last evaluated: 2025-11-10. Review status: criteria provided, single submitter. Criteria: Invitae Variant Classification Sherloc (09022015). Collection method: clinical testing. Allele origin: germline.
Comment: This sequence change falls in intron 14 of the SDHA gene. It does not directly change the encoded amino acid sequence of the SDHA protein. It affects a nucleotide within the consensus splice site. This variant is present in population databases (no rsID available, gnomAD 0.02%). This variant has not been reported in the literature in individuals affected with SDHA-related conditions. ClinVar contains an entry for this variant (Variation ID: 472370). Variants that disrupt the consensus splice site are a relatively common cause of aberrant splicing (PMID: 17576681, 9536098). Algorithms developed to predict the effect of sequence changes on RNA splicing suggest that this variant may disrupt the consensus splice site. In summary, the available evidence is currently insufficient to determine the role of this variant in disease. Therefore, it has been classified as a Variant of Uncertain Significance.

GeneDx
Classification: Uncertain significance. Last evaluated: 2024-05-16. Review status: criteria provided, single submitter. Criteria: GeneDx Variant Classification Process June 2021. Collection method: clinical testing. Allele origin: germline. Affected: yes.
Comment: Has not been previously published as pathogenic or benign to our knowledge; In silico analysis is inconclusive as to whether the variant alters gene splicing. In the absence of RNA/functional studies, the actual effect of this sequence change is unknown.

Blueprint Genetics
Classification: Uncertain significance. Last evaluated: 2023-11-29. Review status: criteria provided, single submitter. Criteria: ACMG Guidelines, 2015. Collection method: clinical testing. Allele origin: germline.

Baylor Genetics
Classification: Uncertain significance for Dilated cardiomyopathy 1GG. Last evaluated: 2023-07-03. Review status: criteria provided, single submitter. Criteria: ACMG Guidelines, 2015. Collection method: clinical testing. Allele origin: unknown.

Literature cited by the submitters: PubMed 17576681 (cited by Labcorp Genetics (formerly Invitae), Labcorp); PubMed 9536098 (cited by Labcorp Genetics (formerly Invitae), Labcorp).

NM_004168.4(SDHA):c.1908+6T>C

Gene: SDHA (succinate dehydrogenase complex flavoprotein subunit A; plus strand). Cytogenetic location: 5p15.33.
Variant type: single nucleotide variant.
Coding change: c.1908+6T>C on transcript NM_004168.4 (MANE Select); 6 bases into the intron after coding-DNA position 1908, T replaced by C.
Molecular consequence: intron variant.
Genome position (GRCh38, 1-based): chr5:254,512, T>C. VCF-style: chr5-254512-T-C. GRCh37 (hg19) VCF-style: chr5-254627-T-C.
Other names: c.1665+6T>C (NM_001330758.2); c.1764+6T>C (NM_001294332.2).
Identifiers: ClinVar variation 472370 (VCV000472370.15), dbSNP rs1359050908, ClinGen allele CA557103331.